The following is an entry in ClinVar:

ClinVar aggregate classification (germline): Pathogenic. Review status: criteria provided, multiple submitters, no conflicts (2 of 4 stars). 3 submissions from 3 submitters: Pathogenic (3). Last evaluated 2023-05-10.

Conditions:
Familial adenomatous polyposis 1 (FAP1). Also called: POLYPOSIS, ADENOMATOUS INTESTINAL; FAMILIAL ADENOMATOUS POLYPOSIS 1, ATTENUATED. Identifiers: MedGen C2713442, MONDO:0021056, OMIM 175100. Disease mechanism: loss of function.
Desmoid disease, hereditary (DESMD). Also called: FIBROMATOSIS, FAMILIAL INFILTRATIVE. Identifiers: Orphanet 873, MedGen C1851124, OMIM 135290. Disease mechanism: loss of function.

Submissions (3):

Myriad Genetics, Inc.
Classification: Pathogenic for Familial adenomatous polyposis 1. Last evaluated: 2023-05-10. Review status: criteria provided, single submitter. Criteria: Myriad Autosomal Dominant, Autosomal Recessive and X-Linked Classification Criteria (2023). Collection method: clinical testing. Allele origin: unknown.
Comment: This variant is considered pathogenic. This variant creates a frameshift predicted to result in premature protein truncation.

Department of Pathology and Laboratory Medicine, Sinai Health System
Classification: Pathogenic for Familial adenomatous polyposis 1; Desmoid disease, hereditary. Last evaluated: 2022-10-27. Review status: criteria provided, single submitter. Criteria: ACMG Guidelines, 2015. Collection method: clinical testing. Allele origin: germline. Affected: yes.

Labcorp Genetics (formerly Invitae), Labcorp
Classification: Pathogenic for Familial adenomatous polyposis 1. Last evaluated: 2021-05-10. Review status: criteria provided, single submitter. Criteria: Invitae Variant Classification Sherloc (09022015). Collection method: clinical testing. Allele origin: germline.
Comment: For these reasons, this variant has been classified as Pathogenic. This variant is expected to disrupt the EB1 and HDLG binding sites, which mediate interactions with the cytoskeleton (PMID: 15311282, 17293347). While functional studies have not been performed to directly test the effect on APC protein function, this suggests that disruption of the C-terminal portion of the protein is functionally important. This variant has been observed in individual(s) with familial adenomatous polyposis (PMID: 16134147). This variant is not present in population databases (ExAC no frequency). This sequence change creates a premature translational stop signal (p.Arg1399Phefs*9) in the APC gene. While this is not anticipated to result in nonsense mediated decay, it is expected to disrupt the last 1445 amino acid(s) of the APC protein. A different truncation (p.Tyr2645Lysfs*14) that lies downstream of this variant has been determined to be pathogenic (PMID: 9824584, 1316610, 27081525, 8381579, 22135120, Invitae). This suggests that deletion of this region of the APC protein is causative of disease.

Literature cited by the submitters: PubMed 15311282 (cited by Labcorp Genetics (formerly Invitae), Labcorp); PubMed 17293347 (cited by Labcorp Genetics (formerly Invitae), Labcorp); PubMed 16134147 (cited by Labcorp Genetics (formerly Invitae), Labcorp); PubMed 9824584 (cited by Labcorp Genetics (formerly Invitae), Labcorp); PubMed 1316610 (cited by Labcorp Genetics (formerly Invitae), Labcorp); PubMed 27081525 (cited by Labcorp Genetics (formerly Invitae), Labcorp); PubMed 8381579 (cited by Labcorp Genetics (formerly Invitae), Labcorp); PubMed 22135120 (cited by Labcorp Genetics (formerly Invitae), Labcorp).

NM_000038.6(APC):c.4192_4193del (p.Arg1399fs)

Gene: APC (APC regulator of Wnt signaling pathway; plus strand). Cytogenetic location: 5q22.2.
Variant type: Microsatellite.
Coding change: c.4192_4193del on transcript NM_000038.6 (MANE Select); coding-DNA positions 4192 to 4193, 2 bases deleted (AG; older notation c.4192_4193delAG).
Protein change: p.Arg1399fs; shifts the reading frame from arginine 1399.
Molecular consequence: frameshift variant.
Genome position (GRCh38, 1-based): chr5:112,839,786-112,839,787, AG deleted; deleting any 2 consecutive bases within chr5:112,839,783-112,839,787 gives the same sequence; the c. name uses the placement nearest the transcript's 3' end. VCF-style (leftmost placement, unchanged base first): chr5-112839782-TGA-T. GRCh37 (hg19) VCF-style: chr5-112175479-TGA-T.
Other names: c.4192_4193del, p.Arg1399fs (NM_001127510.3, NM_001354895.2); c.4138_4139del, p.Arg1381fs (NM_001127511.3); c.4246_4247del, p.Arg1417fs (NM_001354896.2); c.4222_4223del, p.Arg1409fs (NM_001354897.2); c.4117_4118del, p.Arg1374fs (NM_001354898.2); c.4108_4109del, p.Arg1371fs (NM_001354899.2); c.4069_4070del, p.Arg1358fs (NM_001354900.2); c.4015_4016del, p.Arg1340fs (NM_001354901.2); and 5 more; short protein forms R1116fs, R1273fs, R1409fs, R1239fs, R1298fs, R1308fs, R1340fs, R1371fs.
Identifiers: ClinVar variation 1456632 (VCV001456632.10), dbSNP rs2149908617, ClinGen allele CA645543771.
Genomic context (GRCh38, chr5:112,839,782, plus strand): 5'-TGTTCAGGAGACCCCACTCATGTTTAGCAGATGTACTTCTGTCAGTTCACTTGATAGTTT[TGA>T]GAGTCGTTCGATTGCCAGCTCCGTTCAGAGTGAACCATGCAGTGGAATGGTAAGTGGCAT-3'